The following is an entry in ClinVar:

ClinVar aggregate classification (germline): Uncertain significance (1 of 4 stars; one submission).

Allele frequency attached by ClinVar (database versions not stated): gnomAD exomes below 0.00001; ExAC 0.00003.
gnomAD v4.1: 4 of 1,564,466 alleles (0.00026%); highest among the groups gnomAD compares: South Asian, 0.0022%; no homozygotes.

Submission:

Women's Health and Genetics/Laboratory Corporation of America, LabCorp
Classification: Uncertain significance. Last evaluated: 2023-10-05. Review status: criteria provided, single submitter. Criteria: LabCorp Variant Classification Summary - May 2015. Collection method: clinical testing. Allele origin: germline.
Comment: Variant summary: GNB1 c.99C>G (p.Ile33Met) is located near a canonical splice site and results in a conservative amino acid change in the encoded protein sequence. Four of five in-silico tools predict a benign effect of the variant on protein function. Consensus agreement among computation tools predict no significant impact on normal splicing. However, these predictions have yet to be confirmed by functional studies. The variant allele was found at a frequency of 1.2e-05 in 251172 control chromosomes (gnomAD). The available data on variant occurrences in the general population are insufficient to allow any conclusion about variant significance. To our knowledge, no occurrence of c.99C>G in individuals affected with Intellectual Disability, Autosomal Dominant 42 and no experimental evidence demonstrating its impact on protein function have been reported. No submitters have cited clinical-significance assessments for this variant to ClinVar after 2014. Based on the evidence outlined above, the variant was classified as uncertain significance.

NM_002074.5(GNB1):c.99C>G (p.Ile33Met)

Gene: GNB1 (G protein subunit beta 1; minus strand). Cytogenetic location: 1p36.33.
Variant type: single nucleotide variant.
Coding change: c.99C>G on transcript NM_002074.5 (MANE Select); coding-DNA position 99, C replaced by G.
Protein change: p.Ile33Met; replaces isoleucine 33 with methionine.
Molecular consequence: missense variant. On other transcripts: intron variant (1).
Genome position (GRCh38, 1-based): chr1:1,815,860, G>C on the plus strand (C>G on the coding strand, the complement: GNB1 is on the minus strand). VCF-style: chr1-1815860-G-C. GRCh37 (hg19) VCF-style: chr1-1747299-G-C.
Other names: c.99C>G, p.Ile33Met (NM_001282539.2); c.-97-9322C>G (NM_001282538.2); short protein forms I33M.
Identifiers: ClinVar variation 2637604 (VCV002637604.1), dbSNP rs747820792, ClinGen allele CA532133.